The following is an entry in ClinVar:

ClinVar aggregate classification (germline): Benign. Review status: criteria provided, multiple submitters, no conflicts (2 of 4 stars). 2 submissions from 2 submitters: Benign (2). Last evaluated 2018-03-06.

Conditions:
Immunodeficiency, common variable, 1. Also called: ANTIBODY DEFICIENCY DUE TO ICOS DEFECT. Identifiers: Orphanet 1572, Orphanet 695183, MedGen C3149378, MONDO:0011864, OMIM 607594.

Allele frequency attached by ClinVar (database versions not stated): 1000 Genomes Project 0.06330; gnomAD 0.08154 and 0.08219; 1000 Genomes Project 30x 0.06527; TOPMed 0.07971.

Submissions (2):

Illumina Laboratory Services, Illumina
Classification: Benign for Immunodeficiency, common variable, 1. Last evaluated: 2018-03-06. Review status: criteria provided, single submitter. Criteria: ICSL Variant Classification Criteria 13 December 2019. Collection method: clinical testing. Allele origin: germline.
Comment: This variant was observed in the ICSL laboratory as part of a predisposition screen in an ostensibly healthy population. It had not been previously curated by ICSL or reported in the Human Gene Mutation Database (HGMD: prior to June 1st, 2018), and was therefore a candidate for classification through an automated scoring system. Utilizing variant allele frequency, disease prevalence and penetrance estimates, and inheritance mode, an automated score was calculated to assess if this variant is too frequent to cause the disease. Based on the score and internal cut-off values, a variant classified as benign is not then subjected to further curation. The score for this variant resulted in a classification of benign for this disease.

Breakthrough Genomics
Classification: Benign. Review status: criteria provided, single submitter. Criteria: ACMG Guidelines, 2015. Collection method: not provided. Allele origin: germline. Inheritance: Autosomal recessive inheritance. Affected: yes.

NM_012092.4(ICOS):c.*1024C>T

Gene: ICOS (inducible T cell costimulator; plus strand). Cytogenetic location: 2q33.2.
Variant type: single nucleotide variant.
Coding change: c.*1024C>T on transcript NM_012092.4 (MANE Select); 1024 bases downstream of the stop codon, C replaced by T.
Molecular consequence: 3 prime UTR variant.
Genome position (GRCh38, 1-based): chr2:203,960,623, C>T. VCF-style: chr2-203960623-C-T. GRCh37 (hg19) VCF-style: chr2-204825346-C-T.
Identifiers: ClinVar variation 333751 (VCV000333751.6), dbSNP rs10932037, ClinGen allele CA10613945.